The following is an entry in ClinVar:

NM_006922.4(SCN3A):c.849C>A (p.Ser283Arg)

Gene: SCN3A (sodium voltage-gated channel alpha subunit 3; minus strand). Cytogenetic location: 2q24.3.
Variant type: single nucleotide variant.
Coding change: c.849C>A on transcript NM_006922.4 (MANE Select); coding-DNA position 849, C replaced by A.
Protein change: p.Ser283Arg; replaces serine 283 with arginine.
Molecular consequence: missense variant.
Genome position (GRCh38, 1-based): chr2:165,162,674, G>T on the plus strand (C>A on the coding strand, the complement: SCN3A is on the minus strand). VCF-style: chr2-165162674-G-T. GRCh37 (hg19) VCF-style: chr2-166019184-G-T.
Other names: c.849C>A, p.Ser283Arg (NM_001081676.2, NM_001081677.2); short protein forms S283R.
Identifiers: ClinVar variation 1059109 (VCV001059109.9), dbSNP rs747954941, ClinGen allele CA349239109.

ClinVar aggregate classification (germline): Uncertain significance (1 of 4 stars; one submission).

gnomAD v4.1: 5 of 1,614,130 alleles (0.00031%); highest among the groups gnomAD compares: Non-Finnish European, 0.00042%; no homozygotes.

Submission:

Labcorp Genetics (formerly Invitae), Labcorp
Classification: Uncertain significance. Last evaluated: 2023-11-07. Review status: criteria provided, single submitter. Criteria: Invitae Variant Classification Sherloc (09022015). Collection method: clinical testing. Allele origin: germline.
Comment: This sequence change replaces serine, which is neutral and polar, with arginine, which is basic and polar, at codon 283 of the SCN3A protein (p.Ser283Arg). This variant is not present in population databases (gnomAD no frequency). This variant has not been reported in the literature in individuals affected with SCN3A-related conditions. ClinVar contains an entry for this variant (Variation ID: 1059109). Advanced modeling of protein sequence and biophysical properties (such as structural, functional, and spatial information, amino acid conservation, physicochemical variation, residue mobility, and thermodynamic stability) performed at Invitae indicates that this missense variant is not expected to disrupt SCN3A protein function with a negative predictive value of 95%. In summary, the available evidence is currently insufficient to determine the role of this variant in disease. Therefore, it has been classified as a Variant of Uncertain Significance.